The following is an entry in ClinVar:

ClinVar aggregate classification (germline): Pathogenic/Likely pathogenic. Review status: criteria provided, multiple submitters, no conflicts (2 of 4 stars). 5 submissions from 4 submitters: Pathogenic (1); Likely pathogenic (2). 2 of the submissions do not count toward it. Last evaluated 2025-08-15.

Conditions:
Neu-Laxova syndrome 1 (NLS1). Identifiers: Orphanet 2671, Orphanet 583607, MedGen C4551478, MONDO:0009736, OMIM 256520. Disease mechanism: loss of function.
PHGDH deficiency. Identifiers: Orphanet 79351, MedGen C1866174, MONDO:0011152, OMIM 601815.

Allele frequency attached by ClinVar (database versions not stated): gnomAD exomes below 0.00001.

Submissions (5):

Labcorp Genetics (formerly Invitae), Labcorp
Classification: Likely pathogenic for PHGDH deficiency. Last evaluated: 2025-08-15. Review status: criteria provided, single submitter. Criteria: Invitae Variant Classification Sherloc (09022015). Collection method: clinical testing. Allele origin: germline.
Comment: This sequence change replaces glycine, which is neutral and non-polar, with arginine, which is basic and polar, at codon 140 of the PHGDH protein (p.Gly140Arg). This variant is present in population databases (no rsID available, gnomAD 0.007%). This missense change has been observed in individuals with clinical features of Neu-Laxova syndrome (PMID: 24836451, 26960553, 37644014). ClinVar contains an entry for this variant (Variation ID: 139534). Invitae Evidence Modeling of protein sequence and biophysical properties (such as structural, functional, and spatial information, amino acid conservation, physicochemical variation, residue mobility, and thermodynamic stability) has been performed for this missense variant. However, the output from this modeling did not meet the statistical confidence thresholds required to predict the impact of this variant on PHGDH protein function. In summary, the currently available evidence indicates that the variant is pathogenic, but additional data are needed to prove that conclusively. Therefore, this variant has been classified as Likely Pathogenic.

Women's Health and Genetics/Laboratory Corporation of America, LabCorp
Classification: Pathogenic for PHGDH deficiency. Last evaluated: 2025-01-21. Review status: criteria provided, single submitter. Criteria: LabCorp Variant Classification Summary - May 2015. Collection method: clinical testing. Allele origin: germline.
Comment: Variant summary: PHGDH c.418G>A (p.Gly140Arg) results in a non-conservative amino acid change located in the D-isomer specific 2-hydroxyacid dehydrogenase, NAD binding domain (IPR006140) of the encoded protein sequence. Five of five in-silico tools predict a damaging effect of the variant on protein function. The variant allele was found at a frequency of 4e-06 in 251474 control chromosomes. c.418G>A has been reported in the literature in multiple homozygous individuals affected with clinical features of Phosphoglycerate Dehydrogenase Deficiency (Shaheen_2014, El-Hattab_2016). These data indicate that the variant is very likely to be associated with disease. To our knowledge, no experimental evidence demonstrating an impact on protein function has been reported. The following publications have been ascertained in the context of this evaluation (PMID: 26960553, 24836451, 30214071). ClinVar contains an entry for this variant (Variation ID: 139534). Based on the evidence outlined above, the variant was classified as pathogenic.

Genomic Medicine Center of Excellence, King Faisal Specialist Hospital and Research Centre
Classification: Likely pathogenic for PHGDH deficiency. Last evaluated: 2024-03-14. Review status: criteria provided, single submitter. Criteria: ACMG Guidelines, 2015. Collection method: research. Allele origin: germline.

OMIM
Classification: Pathogenic for NEU-LAXOVA SYNDROME 1. Last evaluated: 2014-06-05. Review status: no assertion criteria provided. Collection method: literature only. Allele origin: germline. Not counted in ClinVar's aggregate classification.

Genomic Medicine Center of Excellence, King Faisal Specialist Hospital and Research Centre
Classification: Likely pathogenic. Review status: flagged submission. Criteria: ACMG Guidelines, 2015. Collection method: research. Allele origin: germline. Affected: yes. Not counted in ClinVar's aggregate classification.
ClinVar note: Reason: This record appears to be redundant with a more recent record from the same submitter.
ClinVar note: Notes: SCV000221353 appears to be redundant with SCV004801211.

Literature cited by the submitters: PubMed 24836451 (cited by 3 submitters); PubMed 26960553 (cited by Labcorp Genetics (formerly Invitae), Labcorp and Women's Health and Genetics/Laboratory Corporation of America, LabCorp); PubMed 37644014 (cited by Labcorp Genetics (formerly Invitae), Labcorp); PubMed 30214071 (cited by Women's Health and Genetics/Laboratory Corporation of America, LabCorp).

NM_006623.4(PHGDH):c.418G>A (p.Gly140Arg)

Gene: PHGDH (phosphoglycerate dehydrogenase; plus strand). Cytogenetic location: 1p12.
Variant type: single nucleotide variant.
Coding change: c.418G>A on transcript NM_006623.4 (MANE Select); coding-DNA position 418, G replaced by A.
Protein change: p.Gly140Arg; replaces glycine 140 with arginine.
Molecular consequence: missense variant.
Genome position (GRCh38, 1-based): chr1:119,727,010, G>A. VCF-style: chr1-119727010-G-A. GRCh37 (hg19) VCF-style: chr1-120269633-G-A.
Other names: short protein forms G140R.
Identifiers: ClinVar variation 139534 (VCV000139534.11), dbSNP rs587777770, ClinGen allele CA163241.